The following is an entry in ClinVar:

ClinVar aggregate classification (germline): Uncertain significance. Review status: criteria provided, multiple submitters, no conflicts (2 of 4 stars). 2 submissions from 2 submitters: Uncertain significance (2). Last evaluated 2025-07-09.

Submissions (2):

Labcorp Genetics (formerly Invitae), Labcorp
Classification: Uncertain significance. Last evaluated: 2025-07-09. Review status: criteria provided, single submitter. Criteria: Invitae Variant Classification Sherloc (09022015). Collection method: clinical testing. Allele origin: germline.
Comment: This sequence change replaces proline, which is neutral and non-polar, with serine, which is neutral and polar, at codon 613 of the COL4A1 protein (p.Pro613Ser). This variant is not present in population databases (gnomAD no frequency). This variant has not been reported in the literature in individuals affected with COL4A1-related conditions. ClinVar contains an entry for this variant (Variation ID: 2185696). Invitae Evidence Modeling of protein sequence and biophysical properties (such as structural, functional, and spatial information, amino acid conservation, physicochemical variation, residue mobility, and thermodynamic stability) indicates that this missense variant is not expected to disrupt COL4A1 protein function with a negative predictive value of 95%. In summary, the available evidence is currently insufficient to determine the role of this variant in disease. Therefore, it has been classified as a Variant of Uncertain Significance.

GeneDx
Classification: Uncertain significance. Last evaluated: 2023-05-10. Review status: criteria provided, single submitter. Criteria: GeneDx Variant Classification Process June 2021. Collection method: clinical testing. Allele origin: germline. Affected: yes.
Comment: Not observed at significant frequency in large population cohorts (gnomAD); In silico analysis supports that this missense variant does not alter protein structure/function; Occurs in the triple helical domain at the X position in the canonical Gly-X-Y repeat; although this variant may have an effect on normal protein folding and function, missense substitution at the X position is not a common mechanism of disease; Has not been previously published as pathogenic or benign to our knowledge

NM_001845.6(COL4A1):c.1837C>T (p.Pro613Ser)

Gene: COL4A1 (collagen type IV alpha 1 chain; minus strand). Cytogenetic location: 13q34.
Variant type: single nucleotide variant.
Coding change: c.1837C>T on transcript NM_001845.6 (MANE Select); coding-DNA position 1837, C replaced by T.
Protein change: p.Pro613Ser; replaces proline 613 with serine.
Molecular consequence: missense variant.
Genome position (GRCh38, 1-based): chr13:110,186,445, G>A on the plus strand (C>T on the coding strand, the complement: COL4A1 is on the minus strand). VCF-style: chr13-110186445-G-A. GRCh37 (hg19) VCF-style: chr13-110838792-G-A.
Other names: c.1837C>T (NM_001845.4); short protein forms P613S.
Identifiers: ClinVar variation 2185696 (VCV002185696.5), dbSNP rs1432737813, ClinGen allele CA388722632.
Genomic context (GRCh38, chr13:110,186,445, plus strand): 5'-CTGGCAGGCCTGGGGATCCAGGGCCTCCAGGAAAGCCTGCTTGTCCTTTGTCACCAATGG[G>A]ACCAGCAGGACCATATCCTGGAGGCCCAGGGGGGCCGGTGTCACCACGACTGCCTGGGAA-3'
Protein context (NP_001836.3, residues 603-623): PGPPGYGPAG[Pro613Ser]IGDKGQAGFP